The following is an entry in ClinVar:

ClinVar aggregate classification (germline): Likely pathogenic (1 of 4 stars; one submission).

Allele frequency attached by ClinVar (database versions not stated): gnomAD exomes 0.00001; TOPMed 0.00001; ExAC 0.00001.

Submission:

GeneDx
Classification: Likely pathogenic. Last evaluated: 2019-11-10. Review status: criteria provided, single submitter. Criteria: GeneDx Variant Classification Process June 2021. Collection method: clinical testing. Allele origin: germline. Affected: yes.
Comment: Has not been previously published as pathogenic or benign to our knowledge; Not observed at a significant frequency in large population cohorts (Lek et al., 2016); Frameshift variant predicted to result in protein truncation or nonsense mediated decay in a gene for which loss-of-function is a known mechanism of disease

NM_007199.3(IRAK3):c.1148dup (p.Arg384fs)

Gene: IRAK3 (interleukin 1 receptor associated kinase 3; plus strand). Cytogenetic location: 12q14.3.
Variant type: Duplication.
Coding change: c.1148dup on transcript NM_007199.3 (MANE Select); coding-DNA position 1148, one base duplicated (T; older notation c.1148dupT).
Protein change: p.Arg384fs; shifts the reading frame from arginine 384.
Molecular consequence: frameshift variant.
Genome position (GRCh38, 1-based): chr12:66,245,009, T duplicated. VCF-style (leftmost placement, unchanged base first): chr12-66245008-C-CT. GRCh37 (hg19) VCF-style: chr12-66638788-C-CT.
Other names: c.965dup, p.Arg323fs (NM_001142523.2); c.1148dupT (NM_007199.2); short protein forms R323fs, R384fs.
Identifiers: ClinVar variation 503865 (VCV000503865.3), dbSNP rs756789060, ClinGen allele CA6672871.